The following is an entry in ClinVar:

ClinVar aggregate classification (germline): Uncertain significance (1 of 4 stars; one submission).

Conditions:
Malignant hyperthermia, susceptibility to, 1 (MHS1). Also called: Anesthesia related hyperthermia; Malignant hyperpyrexia; Fulminating hyperpyrexia; Pharmacogenic myopathy; RYR1-Related Malignant Hyperthermia Susceptibility; Malignant hyperthermia suceptibility 1. Identifiers: Orphanet 423, MedGen C2930980, MONDO:0007783, OMIM 145600.

Submission:

All of Us Research Program, National Institutes of Health
Classification: Uncertain significance for Malignant hyperthermia, susceptibility to, 1. Last evaluated: 2023-05-16. Review status: criteria provided, single submitter. Criteria: ACMG Guidelines, 2015. Collection method: clinical testing. Allele origin: germline. Inheritance: Autosomal dominant inheritance. Observed: 1 variant allele, 1 heterozygote.
Comment: This variant causes a G to A nucleotide substitution at the +6 position of intron 20 of the RYR1 gene. To our knowledge, RNA studies have not been reported for this variant. This variant has not been reported in individuals affected with RYR1-related disorders in the literature. This variant has not been identified in the general population by the Genome Aggregation Database (gnomAD). The available evidence is insufficient to determine the role of this variant in disease conclusively. Therefore, this variant is classified as a Variant of Uncertain Significance.

This study involves interpretation of variants in research participants for the purpose of population health screening. Participant phenotype was not available at the time of variant classification. Additional details can be found in publication PMID: 35346344, PMCID: PMC8962531

NM_000540.3(RYR1):c.2577+6G>A

Gene: RYR1 (ryanodine receptor 1; plus strand). Cytogenetic location: 19q13.2.
Variant type: single nucleotide variant.
Coding change: c.2577+6G>A on transcript NM_000540.3 (MANE Select); 6 bases into the intron after coding-DNA position 2577, G replaced by A.
Molecular consequence: intron variant.
Genome position (GRCh38, 1-based): chr19:38,460,597, G>A. VCF-style: chr19-38460597-G-A. GRCh37 (hg19) VCF-style: chr19-38951237-G-A.
Other names: c.2577+6G>A (NM_001042723.2).
Identifiers: ClinVar variation 3071278 (VCV003071278.1), dbSNP rs2514056474, ClinGen allele CA2825002770.